The following is an entry in ClinVar:

ClinVar aggregate classification (germline): Benign (1 of 4 stars; one submission).

Conditions:
Vitreoretinopathy. Also called: Vitreoretinal degeneration. Identifiers: MedGen C0344290, MONDO:0020248, HP:0007773.

Allele frequency attached by ClinVar (database versions not stated): gnomAD exomes 0.00001; TOPMed 0.00001; ExAC 0.00002.
gnomAD v4.1: 1 of 1,614,072 alleles (0.000062%); no homozygotes.

Submission:

Illumina Laboratory Services, Illumina
Classification: Benign for Vitreoretinopathy. Last evaluated: 2018-01-12. Review status: criteria provided, single submitter. Criteria: ICSL Variant Classification Criteria 13 December 2019. Collection method: clinical testing. Allele origin: germline.
Comment: This variant was observed in the ICSL laboratory as part of a predisposition screen in an ostensibly healthy population. It had not been previously curated by ICSL or reported in the Human Gene Mutation Database (HGMD: prior to June 1st, 2018), and was therefore a candidate for classification through an automated scoring system. Utilizing variant allele frequency, disease prevalence and penetrance estimates, and inheritance mode, an automated score was calculated to assess if this variant is too frequent to cause the disease. Based on the score and internal cut-off values, a variant classified as benign is not then subjected to further curation. The score for this variant resulted in a classification of benign for this disease.

NM_004385.5(VCAN):c.1794G>A (p.Glu598=)

Gene: VCAN (versican; plus strand). Cytogenetic location: 5q14.3.
Variant type: single nucleotide variant.
Coding change: c.1794G>A on transcript NM_004385.5 (MANE Select); coding-DNA position 1794, G replaced by A.
Protein change: p.Glu598=; no amino-acid change (glutamic acid 598 retained).
Molecular consequence: synonymous variant. On other transcripts: intron variant (2).
Genome position (GRCh38, 1-based): chr5:83,520,100, G>A. VCF-style: chr5-83520100-G-A. GRCh37 (hg19) VCF-style: chr5-82815919-G-A.
Other names: c.1794G>A, p.Glu598= (NM_001164098.2); c.1042+7704G>A (NM_001164097.2, NM_001126336.3).
Identifiers: ClinVar variation 354399 (VCV000354399.6), dbSNP rs760822691, ClinGen allele CA3332728.